The following is an entry in ClinVar:

NM_000525.4(KCNJ11):c.968A>G (p.Asp323Gly)

Gene: KCNJ11 (potassium inwardly rectifying channel subfamily J member 11; minus strand). Cytogenetic location: 11p15.1.
Variant type: single nucleotide variant.
Coding change: c.968A>G on transcript NM_000525.4 (MANE Select); coding-DNA position 968, A replaced by G.
Protein change: p.Asp323Gly; replaces aspartic acid 323 with glycine.
Molecular consequence: missense variant.
Genome position (GRCh38, 1-based): chr11:17,387,124, T>C on the plus strand (A>G on the coding strand, the complement: KCNJ11 is on the minus strand). VCF-style: chr11-17387124-T-C. GRCh37 (hg19) VCF-style: chr11-17408671-T-C.
Other names: c.968A>G (NM_000525.3); c.707A>G, p.Asp236Gly (NM_001166290.2, NM_001377296.1, NM_001377297.1); short protein forms D236G, D323G.
Identifiers: ClinVar variation 1719830 (VCV001719830.7), dbSNP rs2496408039, ClinGen allele CA379769601.
Genomic context (GRCh38, chr11:17,387,124, plus strand): 5'-AGTGGTGTGGGCACTTTGACGGTGTTGCCAAACTTGGAGTAGTCCACAGAGTAACGTCCG[T>C]CCTCCTCAGCTACAATGGGCACAAAGCGCTGGCCCCACAGGATCTCATCGGCCAGGTAGG-3'
Protein context (NP_000516.3, residues 313-333): QRFVPIVAEE[Asp323Gly]GRYSVDYSKF

ClinVar aggregate classification (germline): Uncertain significance. Review status: criteria provided, multiple submitters, no conflicts (2 of 4 stars). 2 submissions from 2 submitters: Uncertain significance (2). Last evaluated 2025-11-12.

Submissions (2):

GeneDx
Classification: Uncertain significance. Last evaluated: 2025-11-12. Review status: criteria provided, single submitter. Criteria: GeneDx Variant Classification Process June 2021. Collection method: clinical testing. Allele origin: germline.
Comment: Not observed at significant frequency in large population cohorts (gnomAD); In silico analysis supports that this missense variant has a deleterious effect on protein structure/function; Previously reported as a variant of uncertain significance in a proband with MODY (PMID: 36504295); This variant is associated with the following publications: (PMID: 36504295)

Labcorp Genetics (formerly Invitae), Labcorp
Classification: Uncertain significance. Last evaluated: 2022-09-19. Review status: criteria provided, single submitter. Criteria: Invitae Variant Classification Sherloc (09022015). Collection method: clinical testing. Allele origin: germline.
Comment: In summary, the available evidence is currently insufficient to determine the role of this variant in disease. Therefore, it has been classified as a Variant of Uncertain Significance. Advanced modeling of protein sequence and biophysical properties (such as structural, functional, and spatial information, amino acid conservation, physicochemical variation, residue mobility, and thermodynamic stability) performed at Invitae indicates that this missense variant is expected to disrupt KCNJ11 protein function. This variant has not been reported in the literature in individuals affected with KCNJ11-related conditions. This variant is not present in population databases (gnomAD no frequency). This sequence change replaces aspartic acid, which is acidic and polar, with glycine, which is neutral and non-polar, at codon 323 of the KCNJ11 protein (p.Asp323Gly).